The following is an entry in ClinVar:

ClinVar aggregate classification (germline): Uncertain significance (1 of 4 stars; one submission).

Allele frequency attached by ClinVar (database versions not stated): TOPMed below 0.00001.
gnomAD v4.1: 3 of 1,614,060 alleles (0.00019%); highest among the groups gnomAD compares: East Asian, 0.0022%; no homozygotes.

Submission:

Ambry Genetics
Classification: Uncertain significance. Last evaluated: 2023-09-13. Review status: criteria provided, single submitter. Criteria: Ambry Variant Classification Scheme 2023. Collection method: clinical testing. Allele origin: germline.
Comment: Does not currently meet published gene-disease clinical validity criteria Based on insufficient or conflicting evidence, the clinical significance of this alteration remains unclear.

Literature cited by the submitters: PubMed 28106320.

NM_012301.4(MAGI2):c.728A>G (p.Asn243Ser)

Gene: MAGI2 (membrane associated guanylate kinase, WW and PDZ domain containing 2; minus strand). Cytogenetic location: 7q21.11.
Variant type: single nucleotide variant.
Coding change: c.728A>G on transcript NM_012301.4 (MANE Select); coding-DNA position 728, A replaced by G.
Protein change: p.Asn243Ser; replaces asparagine 243 with serine.
Molecular consequence: missense variant.
Genome position (GRCh38, 1-based): chr7:78,521,456, T>C on the plus strand (A>G on the coding strand, the complement: MAGI2 is on the minus strand). VCF-style: chr7-78521456-T-C. GRCh37 (hg19) VCF-style: chr7-78150773-T-C.
Other names: c.728A>G, p.Asn243Ser (NM_001301128.2); short protein forms N243S.
Identifiers: ClinVar variation 2592308 (VCV002592308.2), dbSNP rs1170668811, ClinGen allele CA368006338.